The following is an entry in ClinVar:

NM_000384.3(APOB):c.13029T>A (p.Tyr4343Ter)

Gene: APOB (apolipoprotein B; minus strand). Cytogenetic location: 2p24.1.
Variant type: single nucleotide variant.
Coding change: c.13029T>A on transcript NM_000384.3 (MANE Select); coding-DNA position 13029, T replaced by A.
Protein change: p.Tyr4343Ter; replaces tyrosine 4343 with a stop codon.
Molecular consequence: nonsense.
Genome position (GRCh38, 1-based): chr2:21,002,393, A>T on the plus strand (T>A on the coding strand, the complement: APOB is on the minus strand). VCF-style: chr2-21002393-A-T. GRCh37 (hg19) VCF-style: chr2-21225265-A-T.
Other names: short protein forms Y4343*.
Identifiers: ClinVar variation 2502173 (VCV002502173.2), dbSNP rs147825458, ClinGen allele CA345969749.

ClinVar aggregate classification (germline): Uncertain significance (1 of 4 stars; one submission).

Conditions:
Familial hypobetalipoproteinemia 1. Also called: APOB-Related Familial Hypobetalipoproteinemia; Hypobetalipoproteinemia, normotriglyceridemic; Acanthocytosis with hypobetalipoproteinemia. Identifiers: MedGen C4551990, MONDO:0014252, OMIM 615558.
Hypercholesterolemia, autosomal dominant, type B (FHCL2). Also called: APOLIPOPROTEIN B-100, FAMILIAL DEFECTIVE; APOLIPOPROTEIN B-100, FAMILIAL LIGAND-DEFECTIVE; HYPERCHOLESTEROLEMIA, FAMILIAL, DUE TO LIGAND-DEFECTIVE APOLIPOPROTEIN B; Familial Hypercholesterolemia Type B; APOB-Related Familial Hypercholesterolemia, Autosomal Dominant; Hyperlipoproteinemia Type IIb. Identifiers: MedGen C1704417, MONDO:0007751, OMIM 144010.

Submission:

New York Genome Center
Classification: Uncertain significance for Familial hypobetalipoproteinemia 1; Hypercholesterolemia, autosomal dominant, type B. Last evaluated: 2022-06-08. Review status: criteria provided, single submitter. Criteria: NYGC Assertion Criteria 2020. Collection method: clinical testing. Allele origin: germline. Observed: 1 heterozygote.
Comment: The c.13029T>A (p.Tyr4343Ter) variant in the APOB gene has not previously been reported in the literature or public variant repositories (ClinVar and LOVD), and is absent from population databases (gnomAD v2.1.1 and v3.1.2, TOPMed Freeze 8), suggesting it is not a common benign variant in the populations represented in those databases. The c.13029T>A (p.Tyr4343Ter) stop-gain variant in APOB is located in exon 29 of this 29-exon gene, predicted to escape nonsense mediated decay and result in loss of the last 221 amino acid. Loss-of-function variants that are downstream to the c.13029T>A variant have been reported in the literature in a few individuals with hypobetalipoproteinemia, hypercholesterolemia or hypertriglyceridemia [PMID: 26020417, 33207932,20657596, others]; and in ClinVar [ClinVar ID: 923102, 928004, 440513, others] in individuals with APOB-Related Disorders without providing unequivocal conclusions about an association between these variants and APOB-Related Disorders. To our knowledge, functional assays have not been performed for these variants. Based on available evidence this c.13029T>A p.Tyr4343Ter variant identified in APOB is classified as a Variant of Uncertain Significance.